The following is an entry in ClinVar:

ClinVar aggregate classification (germline): Uncertain significance (1 of 4 stars; one submission).

Conditions:
PHGDH deficiency. Identifiers: Orphanet 79351, MedGen C1866174, MONDO:0011152, OMIM 601815.

Allele frequency attached by ClinVar (database versions not stated): gnomAD 0.00001; gnomAD exomes 0.00001; ExAC 0.00002.

Submission:

Labcorp Genetics (formerly Invitae), Labcorp
Classification: Uncertain significance for PHGDH deficiency. Last evaluated: 2021-08-26. Review status: criteria provided, single submitter. Criteria: Invitae Variant Classification Sherloc (09022015). Collection method: clinical testing. Allele origin: germline.
Comment: This variant, c.1351_1352insTGC, is a complex sequence change that results in the deletion of 1 and insertion of 2 amino acid(s) in the PHGDH protein (p.Ala451delinsValPro). This variant is present in population databases (rs766430137, ExAC 0.02%). This variant has not been reported in the literature in individuals affected with PHGDH-related conditions. Experimental studies and prediction algorithms are not available or were not evaluated, and the functional significance of this variant is currently unknown. In summary, the available evidence is currently insufficient to determine the role of this variant in disease. Therefore, it has been classified as a Variant of Uncertain Significance.

NM_006623.4(PHGDH):c.1351_1352insTGC (p.Ala451delinsValPro)

Gene: PHGDH (phosphoglycerate dehydrogenase; plus strand). Cytogenetic location: 1p12.
Variant type: Insertion.
Coding change: c.1351_1352insTGC on transcript NM_006623.4 (MANE Select); coding-DNA positions 1351 to 1352, TGC inserted.
Protein change: p.Ala451delinsValPro.
Molecular consequence: inframe indel.
Genome position: GRCh38 VCF-style: chr1-119742948-G-GTGC. GRCh37 (hg19) VCF-style: chr1-120285571-G-GTGC.
Identifiers: ClinVar variation 1934536 (VCV001934536.2), dbSNP rs766430137, ClinGen allele CA1037439.
Genomic context (GRCh38, chr1:119,742,948, plus strand): 5'-CCTTACCAGGCTGTGGGCTTGGTCCAAGGCACTACGCCTGTACTGCAGGGGCTCAATGGA[G>GTGC]CTGTCTTCAGGCCAGAAGTGCCTCTCCGCAGGGACCTGCCCCTGCTCCTATTCCGGACTC-3'